The following is an entry in ClinVar:

NM_001037.5(SCN1B):c.190A>G (p.Thr64Ala)

Gene: SCN1B (sodium voltage-gated channel beta subunit 1; plus strand). Cytogenetic location: 19q13.11.
Variant type: single nucleotide variant.
Coding change: c.190A>G on transcript NM_001037.5 (MANE Select); coding-DNA position 190, A replaced by G.
Protein change: p.Thr64Ala; replaces threonine 64 with alanine.
Molecular consequence: missense variant.
Genome position (GRCh38, 1-based): chr19:35,032,677, A>G. VCF-style: chr19-35032677-A-G. GRCh37 (hg19) VCF-style: chr19-35523581-A-G.
Other names: c.190A>G (NM_001037.4); c.91A>G, p.Thr31Ala (NM_001321605.2); c.190A>G, p.Thr64Ala (NM_199037.5); short protein forms T64A, T31A.
Identifiers: ClinVar variation 1404685 (VCV001404685.9), dbSNP rs2151746044, ClinGen allele CA405328331.
Genomic context (GRCh38, chr19:35,032,677, plus strand): 5'-AAGCGCCGCAGCGAGACCAACGCTGAGACCTTCACCGAGTGGACCTTCCGCCAGAAGGGC[A>G]CTGAGGAGTTTGTCAAGGTGTGCGGGTGCCGGGAACGGGCATGGGAGGGCAGGGGTCCAC-3'
Protein context (NP_001028.1, residues 54-74): FTEWTFRQKG[Thr64Ala]EEFVKILRYE

ClinVar aggregate classification (germline): Uncertain significance. Review status: criteria provided, multiple submitters, no conflicts (2 of 4 stars). 2 submissions from 2 submitters: Uncertain significance (2). Last evaluated 2024-09-11.

Conditions:
Brugada syndrome 5 (BRGDA5). Identifiers: Orphanet 130, Orphanet 871, MedGen C2748541, MONDO:0013015, OMIM 612838.
Cardiovascular phenotype. Identifiers: MedGen CN230736.

gnomAD v4.1: 3 of 1,614,034 alleles (0.00019%); highest among the groups gnomAD compares: Admixed American, 0.0033%; no homozygotes.

Submissions (2):

Ambry Genetics
Classification: Uncertain significance for Cardiovascular phenotype. Last evaluated: 2024-09-11. Review status: criteria provided, single submitter. Criteria: Ambry Variant Classification Scheme 2023. Collection method: clinical testing. Allele origin: germline.
Comment: The p.T64A variant (also known as c.190A>G), located in coding exon 2 of the SCN1B gene, results from an A to G substitution at nucleotide position 190. The threonine at codon 64 is replaced by alanine, an amino acid with similar properties. This amino acid position is conserved. In addition, this alteration is predicted to be tolerated by in silico analysis. Based on the available evidence, the clinical significance of this variant remains unclear.

Labcorp Genetics (formerly Invitae), Labcorp
Classification: Uncertain significance for Brugada syndrome 5. Last evaluated: 2023-11-07. Review status: criteria provided, single submitter. Criteria: Invitae Variant Classification Sherloc (09022015). Collection method: clinical testing. Allele origin: germline.
Comment: This sequence change replaces threonine, which is neutral and polar, with alanine, which is neutral and non-polar, at codon 64 of the SCN1B protein (p.Thr64Ala). This variant is not present in population databases (gnomAD no frequency). This variant has not been reported in the literature in individuals affected with SCN1B-related conditions. ClinVar contains an entry for this variant (Variation ID: 1404685). An algorithm developed to predict the effect of missense changes on protein structure and function (PolyPhen-2) suggests that this variant is likely to be disruptive. In summary, the available evidence is currently insufficient to determine the role of this variant in disease. Therefore, it has been classified as a Variant of Uncertain Significance.